The following is an entry in ClinVar:

ClinVar aggregate classification (germline): Uncertain significance. Review status: criteria provided, multiple submitters, no conflicts (2 of 4 stars). 5 submissions from 5 submitters: Uncertain significance (5). Last evaluated 2026-01-18.

Conditions:
Hereditary cancer-predisposing syndrome. Also called: Neoplastic Syndromes, Hereditary; Hereditary neoplastic syndrome; Tumor predisposition; Hereditary Cancer Syndrome. Identifiers: Orphanet 140162, MedGen C0027672, MeSH D009386, MONDO:0015356.
Polymerase proofreading-related adenomatous polyposis. Also called: Polymerase proofreading associated polyposis; Polymerase proofreading–associated polyposis (PPAP). Identifiers: Orphanet 447877, MedGen C5202613, MONDO:0018653.
POLD1-related polyposis and colorectal cancer syndrome (CRCS10). Also called: Colorectal cancer 10; COLORECTAL CANCER, SUSCEPTIBILITY TO, ON CHROMOSOME 19q; Colorectal cancer, susceptibility to, 10. Identifiers: Orphanet 220460, MedGen C2675481, MONDO:0012953, OMIM 612591.

Allele frequency attached by ClinVar (database versions not stated): gnomAD exomes 0.00001.
gnomAD v4.1: 15 of 1,611,002 alleles (0.00093%); highest among the groups gnomAD compares: East Asian, 0.0022%; no homozygotes.

Submissions (5):

Labcorp Genetics (formerly Invitae), Labcorp
Classification: Uncertain significance for POLD1-related polyposis and colorectal cancer syndrome. Last evaluated: 2026-01-18. Review status: criteria provided, single submitter. Criteria: Invitae Variant Classification Sherloc (09022015). Collection method: clinical testing. Allele origin: germline.
Comment: This sequence change replaces arginine, which is basic and polar, with histidine, which is basic and polar, at codon 1098 of the POLD1 protein (p.Arg1098His). The frequency data for this variant in the population databases is considered unreliable, as metrics indicate poor data quality at this position in the gnomAD database. This variant has not been reported in the literature in individuals affected with POLD1-related conditions. ClinVar contains an entry for this variant (Variation ID: 469338). Invitae Evidence Modeling of protein sequence and biophysical properties (such as structural, functional, and spatial information, amino acid conservation, physicochemical variation, residue mobility, and thermodynamic stability) indicates that this missense variant is expected to disrupt POLD1 protein function with a positive predictive value of 80%. In summary, the available evidence is currently insufficient to determine the role of this variant in disease. Therefore, it has been classified as a Variant of Uncertain Significance.

Ambry Genetics
Classification: Uncertain significance for Hereditary cancer-predisposing syndrome. Last evaluated: 2025-06-05. Review status: criteria provided, single submitter. Criteria: Ambry Variant Classification Scheme 2023. Collection method: clinical testing. Allele origin: germline.
Comment: The p.R1098H variant (also known as c.3293G>A), located in coding exon 26 of the POLD1 gene, results from a G to A substitution at nucleotide position 3293. The arginine at codon 1098 is replaced by histidine, an amino acid with highly similar properties. This amino acid position is conserved. In addition, this alteration is predicted to be tolerated by in silico analysis. Based on the available evidence, the clinical significance of this variant remains unclear.

Department of Pathology and Laboratory Medicine, Sinai Health System
Classification: Uncertain significance for Polymerase proofreading-related adenomatous polyposis. Last evaluated: 2024-02-09. Review status: criteria provided, single submitter. Criteria: ACMG Guidelines, 2015. Collection method: clinical testing. Allele origin: germline. Affected: yes.

GeneDx
Classification: Uncertain significance. Last evaluated: 2023-01-24. Review status: criteria provided, single submitter. Criteria: GeneDx Variant Classification Process June 2021. Collection method: clinical testing. Allele origin: germline. Affected: yes.
Comment: Not observed at significant frequency in large population cohorts (gnomAD); In silico analysis supports that this missense variant has a deleterious effect on protein structure/function; Has not been previously published as pathogenic or benign to our knowledge; This variant is associated with the following publications: (PMID: 29703253)

Quest Diagnostics Nichols Institute San Juan Capistrano
Classification: Uncertain significance. Last evaluated: 2019-07-15. Review status: criteria provided, single submitter. Criteria: Quest Diagnostics criteria. Collection method: clinical testing. Allele origin: germline.

NM_002691.4(POLD1):c.3293G>A (p.Arg1098His)

Gene: POLD1 (DNA polymerase delta 1, catalytic subunit; plus strand). Cytogenetic location: 19q13.33.
Variant type: single nucleotide variant.
Coding change: c.3293G>A on transcript NM_002691.4 (MANE Select); coding-DNA position 3293, G replaced by A.
Protein change: p.Arg1098His; replaces arginine 1098 with histidine.
Molecular consequence: missense variant. On other transcripts: non-coding transcript variant (1).
Genome position (GRCh38, 1-based): chr19:50,417,916, G>A. VCF-style: chr19-50417916-G-A. GRCh37 (hg19) VCF-style: chr19-50921173-G-A.
Other names: c.3293G>A, p.Arg1098His (NM_001256849.1); c.3371G>A, p.Arg1124His (NM_001308632.1); short protein forms R1098H, R1124H.
Identifiers: ClinVar variation 469338 (VCV000469338.20), dbSNP rs878854552, ClinGen allele CA406987855.